The following is an entry in ClinVar:

NM_005993.5(TBCD):c.3313G>A (p.Val1105Met)

Gene: TBCD (tubulin folding cofactor D). Cytogenetic location: 17q25.3.
Variant type: single nucleotide variant.
Coding change: c.3313G>A on transcript NM_005993.5 (MANE Select); coding-DNA position 3313, G replaced by A.
Protein change: p.Val1105Met; replaces valine 1105 with methionine.
Molecular consequence: missense variant.
Genome position (GRCh38, 1-based): chr17:82,938,080, G>A. VCF-style: chr17-82938080-G-A. GRCh37 (hg19) VCF-style: chr17-80895956-G-A.
Other names: c.3262G>A, p.Val1088Met (NM_001411101.1); c.3232G>A, p.Val1078Met (NM_001411102.1); c.3313G>A (NM_005993.4); short protein forms V1078M, V1088M, V1105M.
Identifiers: ClinVar variation 3339040 (VCV003339040.2).

ClinVar aggregate classification (germline): Uncertain significance. Review status: criteria provided, multiple submitters, no conflicts (2 of 4 stars). 2 submissions from 2 submitters: Uncertain significance (2). Last evaluated 2025-02-14.

gnomAD v4.1: 51 of 1,612,962 alleles (0.0032%); highest among the groups gnomAD compares: African/African-American, 0.0093%; no homozygotes.

Submissions (2):

GeneDx
Classification: Uncertain significance. Last evaluated: 2025-02-14. Review status: criteria provided, single submitter. Criteria: GeneDx Variant Classification Process June 2021. Collection method: clinical testing. Allele origin: germline. Affected: yes.
Comment: In silico analysis indicates that this missense variant does not alter protein structure/function; This variant is associated with the following publications: (PMID: 27666370)

Women's Health and Genetics/Laboratory Corporation of America, LabCorp
Classification: Uncertain significance. Last evaluated: 2024-07-30. Review status: criteria provided, single submitter. Criteria: LabCorp Variant Classification Summary - May 2015. Collection method: clinical testing. Allele origin: germline.
Comment: Variant summary: TBCD c.3313G>A (p.Val1105Met) results in a conservative amino acid change in the encoded protein sequence. Four of five in-silico tools predict a benign effect of the variant on protein function. The variant allele was found at a frequency of 2.8e-05 in 247742 control chromosomes (gnomAD). c.3313G>A has been reported in the literature in two compound heterozygous individuals affected with Encephalopathy, Early Onset (Flex_2016). These data indicate that the variant may be associated with disease. To our knowledge, no experimental evidence demonstrating an impact on protein function has been reported. No submitters have cited clinical-significance assessments for this variant to ClinVar. The following publication have been ascertained in the context of this evaluation (PMID: 27666370). Based on the evidence outlined above, the variant was classified as VUS-possibly pathogenic.

Literature cited by the submitters: PubMed 27666370 (cited by Women's Health and Genetics/Laboratory Corporation of America, LabCorp).